The following is an entry in ClinVar:

NM_005219.5(DIAPH1):c.2651C>T (p.Ala884Val)

Gene: DIAPH1 (diaphanous related formin 1; minus strand). Cytogenetic location: 5q31.3.
Variant type: single nucleotide variant.
Coding change: c.2651C>T on transcript NM_005219.5 (MANE Select); coding-DNA position 2651, C replaced by T.
Protein change: p.Ala884Val; replaces alanine 884 with valine.
Molecular consequence: missense variant.
Genome position (GRCh38, 1-based): chr5:141,529,628, G>A on the plus strand (C>T on the coding strand, the complement: DIAPH1 is on the minus strand). VCF-style: chr5-141529628-G-A. GRCh37 (hg19) VCF-style: chr5-140909195-G-A.
Other names: c.2624C>T, p.Ala875Val (NM_001079812.3); c.2651C>T, p.Ala884Val (NM_001314007.2); short protein forms A875V, A884V.
Identifiers: ClinVar variation 3755045 (VCV003755045.2).

ClinVar aggregate classification (germline): Uncertain significance (1 of 4 stars; one submission).

Conditions:
Autosomal dominant nonsyndromic hearing loss 1. Also called: KONIGSMARK SYNDROME; DEAFNESS, AUTOSOMAL DOMINANT 1, WITH OR WITHOUT THROMBOCYTOPENIA. Identifiers: Orphanet 90635, MedGen C1852282, MONDO:0007424, OMIM 124900.
Progressive microcephaly-seizures-cortical blindness-developmental delay syndrome. Also called: Seizures, cortical blindness, and microcephaly syndrome. Identifiers: Orphanet 477814, MedGen C5567650, MONDO:0014714, OMIM 616632.

Submission:

Labcorp Genetics (formerly Invitae), Labcorp
Classification: Uncertain significance for Progressive microcephaly-seizures-cortical blindness-developmental delay syndrome; Autosomal dominant nonsyndromic hearing loss 1. Last evaluated: 2024-06-17. Review status: criteria provided, single submitter. Criteria: Invitae Variant Classification Sherloc (09022015). Collection method: clinical testing. Allele origin: germline.
Comment: This sequence change replaces alanine, which is neutral and non-polar, with valine, which is neutral and non-polar, at codon 884 of the DIAPH1 protein (p.Ala884Val). This variant is not present in population databases (gnomAD no frequency). This variant has not been reported in the literature in individuals affected with DIAPH1-related conditions. An algorithm developed to predict the effect of missense changes on protein structure and function (PolyPhen-2) suggests that this variant is likely to be tolerated. In summary, the available evidence is currently insufficient to determine the role of this variant in disease. Therefore, it has been classified as a Variant of Uncertain Significance.